The following is an entry in ClinVar:

NM_012210.4(TRIM32):c.1618C>T (p.Arg540Trp)

Genes: ASTN2 (astrotactin 2; minus strand), TRIM32 (tripartite motif containing 32; plus strand). Cytogenetic location: 9q33.1.
Variant type: single nucleotide variant.
Coding change: c.1618C>T on transcript NM_012210.4 (MANE Select); coding-DNA position 1618, C replaced by T.
Protein change: p.Arg540Trp; replaces arginine 540 with tryptophan.
Molecular consequence: missense variant. On other transcripts: intron variant (3).
Genome position (GRCh38, 1-based): chr9:116,699,360, C>T. VCF-style: chr9-116699360-C-T. GRCh37 (hg19) VCF-style: chr9-119461639-C-T.
Other names: c.1618C>T, p.Arg540Trp (NM_001099679.2, NM_001379048.1, NM_001379049.1 and 1 more transcripts); c.2653+26411G>A (NM_014010.5); c.2794+26411G>A (NM_001365069.1); c.2806+26411G>A (NM_001365068.1); short protein forms R540W.
Identifiers: ClinVar variation 1014438 (VCV001014438.12), dbSNP rs147803099, ClinGen allele CA5211181.

ClinVar aggregate classification (germline): Uncertain significance. Review status: criteria provided, multiple submitters, no conflicts (2 of 4 stars). 4 submissions from 4 submitters: Uncertain significance (4). Last evaluated 2026-05-18.

Conditions:
Inborn genetic diseases. Identifiers: MedGen C0950123, MeSH D030342.
Bardet-Biedl syndrome 11 (BBS11). Identifiers: Orphanet 110, MedGen C1859569, MONDO:0014439, OMIM 615988.
Sarcotubular myopathy (LGMDR8). Also called: Autosomal recessive limb-girdle muscular dystrophy type 2H; Hutterite type of muscular dystrophy; MUSCULAR DYSTROPHY, LIMB-GIRDLE, AUTOSOMAL RECESSIVE 8; Limb-girdle muscular dystrophy, type 2H. Identifiers: Orphanet 1878, MedGen C0270968, MONDO:0009683, OMIM 254110.
Bardet-Biedl syndrome (BBS). Identifiers: Orphanet 110, MedGen C0752166, MONDO:0015229.
TRIM32-related disorder. Also called: TRIM32-related condition.

Allele frequency attached by ClinVar (database versions not stated): ExAC 0.00001; gnomAD 0.00001; gnomAD exomes 0.00001; TOPMed 0.00002; ESP Exome Variant Server 0.00015.
gnomAD v4.1: 5 of 1,614,054 alleles (0.00031%); highest among the groups gnomAD compares: Admixed American, 0.0017%; no homozygotes.

Submissions (4):

PreventionGenetics, part of Exact Sciences
Classification: Uncertain significance for TRIM32-related condition. Last evaluated: 2026-05-18. Review status: criteria provided, single submitter. Criteria: ACMG Guidelines, 2015. Collection method: clinical testing. Allele origin: germline.
Comment: The TRIM32 c.1618C>T variant is predicted to result in the amino acid substitution p.Arg540Trp. To our knowledge, this variant has not been reported in the literature. This variant is reported in 0.0062% of alleles in individuals of African descent in gnomAD. At this time, the clinical significance of this variant is uncertain due to the absence of conclusive functional and genetic evidence.

Ambry Genetics
Classification: Uncertain significance for Inborn genetic diseases. Last evaluated: 2025-03-01. Review status: criteria provided, single submitter. Criteria: Ambry Variant Classification Scheme 2023. Collection method: clinical testing. Allele origin: germline.

Fulgent Genetics
Classification: Uncertain significance for Sarcotubular myopathy; Bardet-Biedl syndrome 11. Last evaluated: 2022-02-11. Review status: criteria provided, single submitter. Criteria: ACMG Guidelines, 2015. Collection method: clinical testing. Allele origin: unknown.

Labcorp Genetics (formerly Invitae), Labcorp
Classification: Uncertain significance for Bardet-Biedl syndrome. Last evaluated: 2021-08-27. Review status: criteria provided, single submitter. Criteria: Invitae Variant Classification Sherloc (09022015). Collection method: clinical testing. Allele origin: germline.
Comment: This sequence change replaces arginine with tryptophan at codon 540 of the TRIM32 protein (p.Arg540Trp). The arginine residue is highly conserved and there is a moderate physicochemical difference between arginine and tryptophan. This variant is present in population databases (rs147803099, ExAC 0.01%). This variant has not been reported in the literature in individuals affected with TRIM32-related conditions. Algorithms developed to predict the effect of missense changes on protein structure and function output the following: SIFT: "Deleterious"; PolyPhen-2: "Benign"; Align-GVGD: "Class C35". The tryptophan amino acid residue is found in multiple mammalian species, which suggests that this missense change does not adversely affect protein function. In summary, the available evidence is currently insufficient to determine the role of this variant in disease. Therefore, it has been classified as a Variant of Uncertain Significance.